The following is an entry in ClinVar:

NM_003072.5(SMARCA4):c.3823G>C (p.Ala1275Pro)

Gene: SMARCA4 (SWI/SNF related BAF chromatin remodeling complex subunit ATPase 4; plus strand). Cytogenetic location: 19p13.2.
Variant type: single nucleotide variant.
Coding change: c.3823G>C on transcript NM_003072.5 (MANE Select); coding-DNA position 3823, G replaced by C.
Protein change: p.Ala1275Pro; replaces alanine 1275 with proline.
Molecular consequence: missense variant. On other transcripts: intron variant (5).
Genome position (GRCh38, 1-based): chr19:11,033,815, G>C. VCF-style: chr19-11033815-G-C. GRCh37 (hg19) VCF-style: chr19-11144491-G-C.
Other names: c.3823G>C, p.Ala1275Pro (NM_001128844.3, NM_001128849.3); c.3774+298G>C (NM_001128847.4, NM_001374457.1, NM_001128845.2 and 2 more transcripts); short protein forms A1275P.
Identifiers: ClinVar variation 954249 (VCV000954249.9), dbSNP rs1600393728, ClinGen allele CA404066619.

ClinVar aggregate classification (germline): Uncertain significance (1 of 4 stars; one submission).

Conditions:
Rhabdoid tumor predisposition syndrome 2 (RTPS2). Identifiers: Orphanet 231108, Orphanet 69077, MedGen C2750074, MONDO:0013224, OMIM 613325.

Submission:

Labcorp Genetics (formerly Invitae), Labcorp
Classification: Uncertain significance for Rhabdoid tumor predisposition syndrome 2. Last evaluated: 2019-07-12. Review status: criteria provided, single submitter. Criteria: Invitae Variant Classification Sherloc (09022015). Collection method: clinical testing. Allele origin: germline.
Comment: This sequence change replaces alanine with proline at codon 1275 of the SMARCA4 protein (p.Ala1275Pro). The alanine residue is moderately conserved and there is a small physicochemical difference between alanine and proline. This variant is not present in population databases (ExAC no frequency). This variant has not been reported in the literature in individuals with SMARCA4-related conditions. Algorithms developed to predict the effect of missense changes on protein structure and function (SIFT, PolyPhen-2, Align-GVGD) all suggest that this variant is likely to be tolerated, but these predictions have not been confirmed by published functional studies and their clinical significance is uncertain. In summary, the available evidence is currently insufficient to determine the role of this variant in disease. Therefore, it has been classified as a Variant of Uncertain Significance.